The following is an entry in ClinVar:

NM_003036.4(SKI):c.71T>C (p.Phe24Ser)

Gene: SKI (SKI proto-oncogene; plus strand). Cytogenetic location: 1p36.33.
Variant type: single nucleotide variant.
Coding change: c.71T>C on transcript NM_003036.4 (MANE Select); coding-DNA position 71, T replaced by C.
Protein change: p.Phe24Ser; replaces phenylalanine 24 with serine.
Molecular consequence: missense variant.
Genome position (GRCh38, 1-based): chr1:2,228,837, T>C. VCF-style: chr1-2228837-T-C. GRCh37 (hg19) VCF-style: chr1-2160276-T-C.
Other names: short protein forms F24S.
Identifiers: ClinVar variation 1690432 (VCV001690432.2), dbSNP rs2100789495, ClinGen allele CA337952027.

ClinVar aggregate classification (germline): Uncertain significance (1 of 4 stars; one submission).

Submission:

Laboratorio de Genetica e Diagnostico Molecular, Hospital Israelita Albert Einstein
Classification: Uncertain significance. Last evaluated: 2021-09-13. Review status: criteria provided, single submitter. Criteria: ACMG Guidelines, 2015. Collection method: clinical testing. Allele origin: germline. Affected: yes.
Comment: ACMG classification criteria: PM2, PP3